The following is an entry in ClinVar:

ClinVar aggregate classification (germline): Likely benign (1 of 4 stars; one submission).

Allele frequency attached by ClinVar (database versions not stated): 1000 Genomes Project 30x 0.00047; 1000 Genomes Project 0.00060; TOPMed 0.00241; gnomAD 0.00287; ESP Exome Variant Server 0.00408; gnomAD exomes 0.00412; ExAC 0.00441.
gnomAD v4.1: 6,271 of 1,585,672 alleles (0.4%); highest among the groups gnomAD compares: Non-Finnish European, 0.49%; 18 homozygotes.

Submission:

CeGaT Center for Human Genetics Tuebingen
Classification: Likely benign. Last evaluated: 2022-07-01. Review status: criteria provided, single submitter. Criteria: CeGaT Center For Human Genetics Tuebingen Variant Classification Criteria Version 2. Collection method: clinical testing. Allele origin: germline. Affected: yes. Observed: 1 variant allele.
Comment: TXNDC2: BP4, BS2

NM_032243.6(TXNDC2):c.499C>A (p.Pro167Thr)

Gene: TXNDC2 (thioredoxin domain containing 2; plus strand). Cytogenetic location: 18p11.22.
Variant type: single nucleotide variant.
Coding change: c.499C>A on transcript NM_032243.6 (MANE Select); coding-DNA position 499, C replaced by A.
Protein change: p.Pro167Thr; replaces proline 167 with threonine.
Molecular consequence: missense variant.
Genome position (GRCh38, 1-based): chr18:9,887,179, C>A. VCF-style: chr18-9887179-C-A. GRCh37 (hg19) VCF-style: chr18-9887176-C-A.
Other names: c.700C>A, p.Pro234Thr (NM_001098529.2); c.499C>A, p.Pro167Thr (NM_001098530.1); short protein forms P167T, P234T.
Identifiers: ClinVar variation 2648567 (VCV002648567.24), dbSNP rs143154037, ClinGen allele CA8890335.
Genomic context (GRCh38, chr18:9,887,179, plus strand): 5'-GCAAAACCCATCCAGCCCAAGCTGGGCAATATTGCCAAGACCTCAGTGAAGCCCAGCCAG[C>A]CCAAGGAGAGTGATATCCCCAAGTCCCCAGAAGAAACCATCCAGCCCAAGGAGGGTGACA-3'
Protein context (NP_115619.4, residues 157-177): IAKTSVKPSQ[Pro167Thr]KESDIPKSPE